The following is an entry in ClinVar:

ClinVar aggregate classification (germline): Likely benign (0 of 4 stars; one submission).

Conditions:
GFRA1-related disorder. Also called: GFRA1-related condition.

Allele frequency attached by ClinVar (database versions not stated): gnomAD 0.00002; ExAC 0.00003; TOPMed 0.00004; ESP Exome Variant Server 0.00015.
gnomAD v4.1: 57 of 1,477,356 alleles (0.0039%); highest among the groups gnomAD compares: South Asian, 0.0057%; no homozygotes.

Submission:

PreventionGenetics, part of Exact Sciences
Classification: Likely benign for GFRA1-related condition. Last evaluated: 2019-07-02. Review status: no assertion criteria provided. Collection method: clinical testing. Allele origin: germline.
Comment: This variant is classified as likely benign based on ACMG/AMP sequence variant interpretation guidelines (Richards et al. 2015 PMID: 25741868, with internal and published modifications).

NM_005264.8(GFRA1):c.880+9C>T

Gene: GFRA1 (GDNF family receptor alpha 1; minus strand). Cytogenetic location: 10q25.3.
Variant type: single nucleotide variant.
Coding change: c.880+9C>T on transcript NM_005264.8 (MANE Select); 9 bases into the intron after coding-DNA position 880, C replaced by T.
Molecular consequence: intron variant.
Genome position (GRCh38, 1-based): chr10:116,096,646, G>A on the plus strand (C>T on the coding strand, the complement: GFRA1 is on the minus strand). VCF-style: chr10-116096646-G-A. GRCh37 (hg19) VCF-style: chr10-117856157-G-A.
Other names: c.865+9C>T (NM_001382557.2, NM_001382556.2, NM_001145453.4 and 6 more transcripts); c.880+9C>T (NM_001348098.4); c.517+9C>T (NM_001348099.3).
Identifiers: ClinVar variation 3042478 (VCV003042478.2), dbSNP rs372028199, ClinGen allele CA5705258.